The following is an entry in ClinVar:

NM_001458.5(FLNC):c.2146A>G (p.Ile716Val)

Genes: FLNC (filamin C; plus strand), LOC129999273 (ATAC-STARR-seq lymphoblastoid silent region 18616; plus strand). Cytogenetic location: 7q32.1.
Variant type: single nucleotide variant.
Coding change: c.2146A>G on transcript NM_001458.5 (MANE Select); coding-DNA position 2146, A replaced by G.
Protein change: p.Ile716Val; replaces isoleucine 716 with valine.
Molecular consequence: missense variant.
Genome position (GRCh38, 1-based): chr7:128,842,255, A>G. VCF-style: chr7-128842255-A-G. GRCh37 (hg19) VCF-style: chr7-128482309-A-G.
Other names: c.2146A>G, p.Ile716Val (NM_001127487.2); c.2146A>G (NM_001458.4); short protein forms I716V.
Identifiers: ClinVar variation 1522867 (VCV001522867.7), dbSNP rs1808363671, ClinGen allele CA369228684.

ClinVar aggregate classification (germline): Uncertain significance. Review status: criteria provided, single submitter (1 of 4 stars). 2 submissions from 2 submitters: Uncertain significance (1). 1 of the submissions does not count toward it. Last evaluated 2021-09-09.

Conditions:
FLNC-related disorder. Also called: FLNC-related disorders; FLNC-related condition.
Hypertrophic cardiomyopathy 26. Also called: Cardiomyopathy, familial hypertrophic, 26. Identifiers: Orphanet 75249, MedGen C4310749, MONDO:0014883, OMIM 617047.
Distal myopathy with posterior leg and anterior hand involvement. Also called: WILLIAMS DISTAL MYOPATHY. Identifiers: Orphanet 63273, MedGen C3279722, MONDO:0013550, OMIM 614065.
Myofibrillar myopathy 5. Also called: Filaminopathy (type); FILAMINOPATHY, AUTOSOMAL DOMINANT. Identifiers: Orphanet 171445, MedGen C1836050, MONDO:0012289, OMIM 609524.

Allele frequency attached by ClinVar (database versions not stated): gnomAD exomes below 0.00001.
gnomAD v4.1: 2 of 1,613,758 alleles (0.00012%); highest among the groups gnomAD compares: South Asian, 0.0022%; no homozygotes.

Submissions (2):

Labcorp Genetics (formerly Invitae), Labcorp
Classification: Uncertain significance for Distal myopathy with posterior leg and anterior hand involvement; Myofibrillar myopathy 5; Hypertrophic cardiomyopathy 26. Last evaluated: 2021-09-09. Review status: criteria provided, single submitter. Criteria: Invitae Variant Classification Sherloc (09022015). Collection method: clinical testing. Allele origin: germline.
Comment: This sequence change replaces isoleucine with valine at codon 716 of the FLNC protein (p.Ile716Val). The isoleucine residue is moderately conserved and there is a small physicochemical difference between isoleucine and valine. This variant is not present in population databases (ExAC no frequency). This variant has not been reported in the literature in individuals affected with FLNC-related conditions. Algorithms developed to predict the effect of missense changes on protein structure and function output the following: SIFT: "Tolerated"; PolyPhen-2: "Benign"; Align-GVGD: "Class C0". The valine amino acid residue is found in multiple mammalian species, which suggests that this missense change does not adversely affect protein function. In summary, the available evidence is currently insufficient to determine the role of this variant in disease. Therefore, it has been classified as a Variant of Uncertain Significance.

PreventionGenetics, part of Exact Sciences
Classification: Uncertain significance for FLNC-related condition. Last evaluated: 2024-07-15. Review status: no assertion criteria provided. Collection method: clinical testing. Allele origin: germline. Not counted in ClinVar's aggregate classification.
Comment: The FLNC c.2146A>G variant is predicted to result in the amino acid substitution p.Ile716Val. To our knowledge, this variant has not been reported in the literature or in a large population database, indicating this variant is rare. At this time, the clinical significance of this variant is uncertain due to the absence of conclusive functional and genetic evidence.